The following is an entry in ClinVar:

NM_001903.5(CTNNA1):c.2443G>A (p.Ala815Thr)

Gene: CTNNA1 (catenin alpha 1; plus strand). Cytogenetic location: 5q31.2.
Variant type: single nucleotide variant.
Coding change: c.2443G>A on transcript NM_001903.5 (MANE Select); coding-DNA position 2443, G replaced by A.
Protein change: p.Ala815Thr; replaces alanine 815 with threonine.
Molecular consequence: missense variant. On other transcripts: synonymous variant (5), intron variant (1).
Genome position (GRCh38, 1-based): chr5:138,933,811, G>A. VCF-style: chr5-138933811-G-A. GRCh37 (hg19) VCF-style: chr5-138269500-G-A.
Other names: c.2514G>A, p.Ala838= (NM_001290307.3); c.2134G>A, p.Ala712Thr (NM_001290309.3); c.2074G>A, p.Ala692Thr (NM_001290310.3); c.1333G>A, p.Ala445Thr (NM_001290312.1, NM_001323994.1, NM_001323995.1 and 12 more transcripts); c.2443G>A, p.Ala815Thr (NM_001323982.2, NM_001323983.1, NM_001323984.2); c.1198G>A, p.Ala400Thr (NM_001324001.1); c.1404G>A, p.Ala468= (NM_001324002.1, NM_001324003.1, NM_001324004.1 and 1 more transcripts); c.1090G>A, p.Ala364Thr (NM_001324013.1, NM_001324012.1); and 4 more; short protein forms A332T, A364T, A400T, A414T, A445T, A692T, A712T, A784T.
Identifiers: ClinVar variation 4869494 (VCV004869494.1).

ClinVar aggregate classification (germline): Uncertain significance (1 of 4 stars; one submission).

Conditions:
Hereditary cancer-predisposing syndrome. Also called: Neoplastic Syndromes, Hereditary; Tumor predisposition; Hereditary Cancer Syndrome; Hereditary neoplastic syndrome. Identifiers: Orphanet 140162, MedGen C0027672, MeSH D009386, MONDO:0015356.

gnomAD v4.1: 3 of 1,613,098 alleles (0.00019%); highest among the groups gnomAD compares: African/African-American, 0.0013%; no homozygotes.

Submission:

Ambry Genetics
Classification: Uncertain significance for Hereditary cancer-predisposing syndrome. Last evaluated: 2026-05-30. Review status: criteria provided, single submitter. Criteria: Ambry Variant Classification Scheme 2023. Collection method: clinical testing. Allele origin: germline.
Comment: The p.A815T variant (also known as c.2443G>A), located in coding exon 17 of the CTNNA1 gene, results from a G to A substitution at nucleotide position 2443. The alanine at codon 815 is replaced by threonine, an amino acid with similar properties. This amino acid position is conserved. In addition, the in silico prediction for this alteration is inconclusive. Based on the available evidence, the clinical significance of this variant remains unclear.